The following is an entry in ClinVar:

NM_024915.4(GRHL2):c.572A>G (p.Gln191Arg)

Gene: GRHL2 (grainyhead like transcription factor 2; plus strand). Cytogenetic location: 8q22.3.
Variant type: single nucleotide variant.
Coding change: c.572A>G on transcript NM_024915.4 (MANE Select); coding-DNA position 572, A replaced by G.
Protein change: p.Gln191Arg; replaces glutamine 191 with arginine.
Molecular consequence: missense variant.
Genome position (GRCh38, 1-based): chr8:101,558,706, A>G. VCF-style: chr8-101558706-A-G. GRCh37 (hg19) VCF-style: chr8-102570934-A-G.
Other names: c.524A>G, p.Gln175Arg (NM_001330593.2, NM_001440448.1); c.572A>G, p.Gln191Arg (NM_001440447.1); short protein forms Q175R, Q191R.
Identifiers: ClinVar variation 4706384 (VCV004706384.1).
Genomic context (GRCh38, chr8:101,558,706, plus strand): 5'-CTGTGCACTATCCCCGGGGAGATGGGGAAGAGCAACGAGTGGTTATCTTTGAACAGACTC[A>G]GTATGACGTGCCCTCGCTGGCCACCCACAGCGCCTATCTCAAAGACGACCAGCGCAGCAC-3'
Protein context (NP_079191.2, residues 181-201): EQRVVIFEQT[Gln191Arg]YDVPSLATHS

ClinVar aggregate classification (germline): Uncertain significance (1 of 4 stars; one submission).

gnomAD v4.1: 3 of 1,614,068 alleles (0.00019%); highest among the groups gnomAD compares: Non-Finnish European, 0.00025%; no homozygotes.

Submission:

Labcorp Genetics (formerly Invitae), Labcorp
Classification: Uncertain significance. Last evaluated: 2025-02-04. Review status: criteria provided, single submitter. Criteria: Invitae Variant Classification Sherloc (09022015). Collection method: clinical testing. Allele origin: germline.
Comment: This sequence change replaces glutamine, which is neutral and polar, with arginine, which is basic and polar, at codon 191 of the GRHL2 protein (p.Gln191Arg). This variant is present in population databases (rs377685568, gnomAD 0.0009%). This variant has not been reported in the literature in individuals affected with GRHL2-related conditions. Invitae Evidence Modeling of protein sequence and biophysical properties (such as structural, functional, and spatial information, amino acid conservation, physicochemical variation, residue mobility, and thermodynamic stability) indicates that this missense variant is not expected to disrupt GRHL2 protein function with a negative predictive value of 80%. In summary, the available evidence is currently insufficient to determine the role of this variant in disease. Therefore, it has been classified as a Variant of Uncertain Significance.